The following is an entry in ClinVar:

NM_002506.3(NGF):c.184C>A (p.Arg62Ser)

Genes: NGF (nerve growth factor; minus strand), NGF-AS1 (NGF antisense RNA 1; plus strand). Cytogenetic location: 1p13.2.
Variant type: single nucleotide variant.
Coding change: c.184C>A on transcript NM_002506.3 (MANE Select); coding-DNA position 184, C replaced by A.
Protein change: p.Arg62Ser; replaces arginine 62 with serine.
Molecular consequence: missense variant.
Genome position (GRCh38, 1-based): chr1:115,286,612, G>T on the plus strand (C>A on the coding strand, the complement: NGF is on the minus strand). VCF-style: chr1-115286612-G-T. GRCh37 (hg19) VCF-style: chr1-115829233-G-T.
Other names: short protein forms R62S.
Identifiers: ClinVar variation 641322 (VCV000641322.4), dbSNP rs755243469, ClinGen allele CA341837072.
Genomic context (GRCh38, chr1:115,286,612, plus strand): 5'-GTCGCCGCTTTTTAAACAGCCTGGGGTCCACAGTAATGTTGCGGGTCTGCCCCGCCACGC[G>T]TGCAGCTATCGCCGCTGCCGGGGCGCTGCGGGCTCTGCGAAGGGCAGTGTCAAGGGAATG-3'
Protein context (NP_002497.2, residues 52-72): RSAPAAAIAA[Arg62Ser]VAGQTRNITV

ClinVar aggregate classification (germline): Uncertain significance (1 of 4 stars; one submission).

Conditions:
Congenital sensory neuropathy with selective loss of small myelinated fibers (HSAN5). Also called: HSAN Type V. Identifiers: Orphanet 64752, MedGen C0020075, MONDO:0012092, OMIM 608654.

Allele frequency attached by ClinVar (database versions not stated): TOPMed 0.00001; gnomAD 0.00003.
gnomAD v4.1: 19 of 1,614,114 alleles (0.0012%); highest among the groups gnomAD compares: Non-Finnish European, 0.0015%; no homozygotes.

Submission:

Labcorp Genetics (formerly Invitae), Labcorp
Classification: Uncertain significance for Congenital sensory neuropathy with selective loss of small myelinated fibers. Last evaluated: 2023-10-03. Review status: criteria provided, single submitter. Criteria: Invitae Variant Classification Sherloc (09022015). Collection method: clinical testing. Allele origin: germline.
Comment: This sequence change replaces arginine, which is basic and polar, with serine, which is neutral and polar, at codon 62 of the NGF protein (p.Arg62Ser). This variant is present in population databases (no rsID available, gnomAD 0.007%). This variant has not been reported in the literature in individuals affected with NGF-related conditions. ClinVar contains an entry for this variant (Variation ID: 641322). Advanced modeling of protein sequence and biophysical properties (such as structural, functional, and spatial information, amino acid conservation, physicochemical variation, residue mobility, and thermodynamic stability) performed at Invitae indicates that this missense variant is not expected to disrupt NGF protein function. In summary, the available evidence is currently insufficient to determine the role of this variant in disease. Therefore, it has been classified as a Variant of Uncertain Significance.